The following is an entry in ClinVar:

NM_022455.5(NSD1):c.7592A>C (p.Lys2531Thr)

Gene: NSD1 (nuclear receptor binding SET domain protein 1; plus strand). Cytogenetic location: 5q35.3.
Variant type: single nucleotide variant.
Coding change: c.7592A>C on transcript NM_022455.5 (MANE Select); coding-DNA position 7592, A replaced by C.
Protein change: p.Lys2531Thr; replaces lysine 2531 with threonine.
Molecular consequence: missense variant.
Genome position (GRCh38, 1-based): chr5:177,294,960, A>C. VCF-style: chr5-177294960-A-C. GRCh37 (hg19) VCF-style: chr5-176721961-A-C.
Other names: c.6719A>C, p.Lys2240Thr (NM_001365684.2, NM_001409308.1, NM_172349.5); c.7592A>C, p.Lys2531Thr (NM_001409301.1, NM_001409302.1, NM_001409303.1); c.7172A>C, p.Lys2391Thr (NM_001409304.1); c.6839A>C, p.Lys2280Thr (NM_001409305.1); c.6830A>C, p.Lys2277Thr (NM_001409306.1, NM_001409307.1); c.6470A>C, p.Lys2157Thr (NM_001409309.1); short protein forms K2157T, K2240T, K2277T, K2280T, K2391T, K2531T.
Identifiers: ClinVar variation 3357024 (VCV003357024.1).

ClinVar aggregate classification (germline): Uncertain significance (0 of 4 stars; one submission).

Conditions:
NSD1-related disorder. Also called: NSD1-related condition.

Submission:

PreventionGenetics, part of Exact Sciences
Classification: Uncertain significance for NSD1-related condition. Last evaluated: 2024-06-13. Review status: no assertion criteria provided. Collection method: clinical testing. Allele origin: germline.
Comment: The NSD1 c.7592A>C variant is predicted to result in the amino acid substitution p.Lys2531Thr. To our knowledge, this variant has not been reported in the literature or in a large population database, indicating this variant is rare. At this time, the clinical significance of this variant is uncertain due to the absence of conclusive functional and genetic evidence.